The following is an entry in ClinVar:

NM_153240.5(NPHP3):c.2358A>G (p.Glu786=)

Genes: NPHP3 (nephrocystin 3; minus strand), NPHP3-ACAD11 (NPHP3-ACAD11 readthrough (NMD candidate); minus strand). Cytogenetic location: 3q22.1.
Variant type: single nucleotide variant.
Coding change: c.2358A>G on transcript NM_153240.5 (MANE Select); coding-DNA position 2358, A replaced by G.
Protein change: p.Glu786=; no amino-acid change (glutamic acid 786 retained).
Molecular consequence: synonymous variant. On other transcripts: non-coding transcript variant (1).
Genome position (GRCh38, 1-based): chr3:132,692,771, T>C on the plus strand (A>G on the coding strand, the complement: NPHP3 is on the minus strand). VCF-style: chr3-132692771-T-C. GRCh37 (hg19) VCF-style: chr3-132411615-T-C.
Other names: p.Glu786=.
Identifiers: ClinVar variation 4684722 (VCV004684722.1).

ClinVar aggregate classification (germline): Likely benign (1 of 4 stars; one submission).

gnomAD v4.1: 1 of 1,613,918 alleles (0.000062%); highest among the groups gnomAD compares: Non-Finnish European, 0.000085%; no homozygotes.

Submission:

Mayo Clinic Laboratories, Mayo Clinic
Classification: Likely benign. Last evaluated: 2025-09-05. Review status: criteria provided, single submitter. Criteria: ACMG Guidelines, 2015. Collection method: clinical testing. Allele origin: germline. Observed: 1 variant allele.
Comment: BP4, BP7, PM2_supporting